The following is an entry in ClinVar:

ClinVar aggregate classification (germline): Uncertain significance (1 of 4 stars; one submission).

Conditions:
Developmental and epileptic encephalopathy 94 (DEE94). Also called: Epileptic encephalopathy, childhood-onset; CHD2-Related Neurodevelopmental Disorders. Identifiers: Orphanet 1942, Orphanet 2382, MedGen C3809278, MONDO:0014150, OMIM 615369.

Submission:

Labcorp Genetics (formerly Invitae), Labcorp
Classification: Uncertain significance for Developmental and epileptic encephalopathy 94. Last evaluated: 2023-11-19. Review status: criteria provided, single submitter. Criteria: Invitae Variant Classification Sherloc (09022015). Collection method: clinical testing. Allele origin: germline.
Comment: This sequence change replaces lysine, which is basic and polar, with glutamic acid, which is acidic and polar, at codon 203 of the CHD2 protein (p.Lys203Glu). This variant is not present in population databases (gnomAD no frequency). This variant has not been reported in the literature in individuals affected with CHD2-related conditions. ClinVar contains an entry for this variant (Variation ID: 1469390). Advanced modeling of protein sequence and biophysical properties (such as structural, functional, and spatial information, amino acid conservation, physicochemical variation, residue mobility, and thermodynamic stability) performed at Invitae indicates that this missense variant is not expected to disrupt CHD2 protein function with a negative predictive value of 95%. In summary, the available evidence is currently insufficient to determine the role of this variant in disease. Therefore, it has been classified as a Variant of Uncertain Significance.

NM_001271.4(CHD2):c.607A>G (p.Lys203Glu)

Gene: CHD2 (chromodomain helicase DNA binding protein 2; plus strand). Cytogenetic location: 15q26.1.
Variant type: single nucleotide variant.
Coding change: c.607A>G on transcript NM_001271.4 (MANE Select); coding-DNA position 607, A replaced by G.
Protein change: p.Lys203Glu; replaces lysine 203 with glutamic acid.
Molecular consequence: missense variant.
Genome position (GRCh38, 1-based): chr15:92,939,633, A>G. VCF-style: chr15-92939633-A-G. GRCh37 (hg19) VCF-style: chr15-93482863-A-G.
Other names: c.607A>G, p.Lys203Glu (NM_001042572.3); short protein forms K203E.
Identifiers: ClinVar variation 1469390 (VCV001469390.6), dbSNP rs2141778395, ClinGen allele CA393900085.